The following is an entry in ClinVar:

ClinVar aggregate classification (germline): Uncertain significance. Review status: criteria provided, multiple submitters, no conflicts (2 of 4 stars). 2 submissions from 2 submitters: Uncertain significance (2). Last evaluated 2022-10-13.

Allele frequency attached by ClinVar (database versions not stated): ExAC 0.00002; gnomAD 0.00002; gnomAD exomes 0.00003 and 0.00004; TOPMed 0.00003.
gnomAD v4.1: 43 of 1,609,748 alleles (0.0027%); highest among the groups gnomAD compares: Admixed American, 0.0033%; no homozygotes.

Submissions (2):

Labcorp Genetics (formerly Invitae), Labcorp
Classification: Uncertain significance. Last evaluated: 2022-10-13. Review status: criteria provided, single submitter. Criteria: Invitae Variant Classification Sherloc (09022015). Collection method: clinical testing. Allele origin: germline.
Comment: In summary, the available evidence is currently insufficient to determine the role of this variant in disease. Therefore, it has been classified as a Variant of Uncertain Significance. Advanced modeling of protein sequence and biophysical properties (such as structural, functional, and spatial information, amino acid conservation, physicochemical variation, residue mobility, and thermodynamic stability) performed at Invitae indicates that this missense variant is not expected to disrupt NDUFS1 protein function. ClinVar contains an entry for this variant (Variation ID: 1307682). This variant has not been reported in the literature in individuals affected with NDUFS1-related conditions. This variant is present in population databases (rs773632832, gnomAD 0.006%). This sequence change replaces arginine, which is basic and polar, with histidine, which is basic and polar, at codon 325 of the NDUFS1 protein (p.Arg325His).

GeneDx
Classification: Uncertain significance. Last evaluated: 2019-08-02. Review status: criteria provided, single submitter. Criteria: GeneDx Variant Classification Process June 2021. Collection method: clinical testing. Allele origin: germline. Affected: yes.
Comment: In silico analysis, which includes protein predictors and evolutionary conservation, supports that this variant does not alter protein structure/function; Not observed at a significant frequency in large population cohorts (Lek et al., 2016); Has not been previously published as pathogenic or benign to our knowledge

NM_005006.7(NDUFS1):c.974G>A (p.Arg325His)

Gene: NDUFS1 (NADH:ubiquinone oxidoreductase core subunit S1; minus strand). Cytogenetic location: 2q33.3.
Variant type: single nucleotide variant.
Coding change: c.974G>A on transcript NM_005006.7 (MANE Select); coding-DNA position 974, G replaced by A.
Protein change: p.Arg325His; replaces arginine 325 with histidine.
Molecular consequence: missense variant.
Genome position (GRCh38, 1-based): chr2:206,144,031, C>T on the plus strand (G>A on the coding strand, the complement: NDUFS1 is on the minus strand). VCF-style: chr2-206144031-C-T. GRCh37 (hg19) VCF-style: chr2-207008755-C-T.
Other names: c.866G>A, p.Arg289His (NM_001199981.2); c.641G>A, p.Arg214His (NM_001199982.2); c.803G>A, p.Arg268His (NM_001199983.2); c.1016G>A, p.Arg339His (NM_001199984.2); short protein forms R214H, R268H, R289H, R325H, R339H.
Identifiers: ClinVar variation 1307682 (VCV001307682.8), dbSNP rs773632832, ClinGen allele CA2070605.